The following is an entry in ClinVar:

NM_000815.5(GABRD):c.*17A>G

Gene: GABRD (gamma-aminobutyric acid type A receptor subunit delta; plus strand). Cytogenetic location: 1p36.33.
Variant type: single nucleotide variant.
Coding change: c.*17A>G on transcript NM_000815.5 (MANE Select); 17 bases downstream of the stop codon, A replaced by G.
Molecular consequence: 3 prime UTR variant.
Genome position (GRCh38, 1-based): chr1:2,030,299, A>G. VCF-style: chr1-2030299-A-G. GRCh37 (hg19) VCF-style: chr1-1961738-A-G.
Identifiers: ClinVar variation 1034302 (VCV001034302.1), dbSNP rs1659054865, ClinGen allele CA1149392172.

ClinVar aggregate classification (germline): Uncertain significance (1 of 4 stars; one submission).

Conditions:
Epilepsy, idiopathic generalized, susceptibility to, 10. Identifiers: MedGen C2751603, MONDO:0013103, OMIM 613060.

Submission:

Baylor Genetics
Classification: Uncertain significance for Epilepsy, idiopathic generalized, susceptibility to, 10. Last evaluated: 2018-04-11. Review status: criteria provided, single submitter. Criteria: ACMG Guidelines, 2015. Collection method: clinical testing. Allele origin: maternal. Affected: yes.
Comment: This variant was determined to be of uncertain significance according to ACMG Guidelines, 2015 [PMID:25741868].